The following is an entry in ClinVar:

NM_016239.4(MYO15A):c.3602G>A (p.Arg1201Gln)

Gene: MYO15A (myosin XVA; plus strand). Cytogenetic location: 17p11.2.
Variant type: single nucleotide variant.
Coding change: c.3602G>A on transcript NM_016239.4 (MANE Select); coding-DNA position 3602, G replaced by A.
Protein change: p.Arg1201Gln; replaces arginine 1201 with glutamine.
Molecular consequence: missense variant.
Genome position (GRCh38, 1-based): chr17:18,122,402, G>A. VCF-style: chr17-18122402-G-A. GRCh37 (hg19) VCF-style: chr17-18025716-G-A.
Other names: short protein forms R1201Q.
Identifiers: ClinVar variation 1393461 (VCV001393461.5), dbSNP rs557393326, ClinGen allele CA8423490.
Genomic context (GRCh38, chr17:18,122,402, plus strand): 5'-CTGGAGCTGCCTGCCTGTCCCTTAGGGGCTCCTGGGAGGAGGTCGGCCCGCCAAGCTGGC[G>A]GAACAAGGTATGGAGGCACAGATTACACGGAGGGTTTGAGGGTTCTGGCCTAGGAAACAG-3'
Protein context (NP_057323.3, residues 1191-1211): SWEEVGPPSW[Arg1201Gln]NKMHSIRNLP

ClinVar aggregate classification (germline): Uncertain significance (1 of 4 stars; one submission).

Allele frequency attached by ClinVar (database versions not stated): gnomAD 0.00001 and 0.00003; gnomAD exomes 0.00002; TOPMed 0.00002; ExAC 0.00003; 1000 Genomes Project 30x 0.00016; 1000 Genomes Project 0.00020.

Submission:

Labcorp Genetics (formerly Invitae), Labcorp
Classification: Uncertain significance. Last evaluated: 2024-04-15. Review status: criteria provided, single submitter. Criteria: Invitae Variant Classification Sherloc (09022015). Collection method: clinical testing. Allele origin: germline.
Comment: This sequence change replaces arginine, which is basic and polar, with glutamine, which is neutral and polar, at codon 1201 of the MYO15A protein (p.Arg1201Gln). The frequency data for this variant in the population databases is considered unreliable, as metrics indicate poor data quality at this position in the gnomAD database. This missense change has been observed in individuals with autosomal recessive nonsyndromic deafness (PMID: 35346193). ClinVar contains an entry for this variant (Variation ID: 1393461). Advanced modeling of protein sequence and biophysical properties (such as structural, functional, and spatial information, amino acid conservation, physicochemical variation, residue mobility, and thermodynamic stability) performed at Invitae indicates that this missense variant is not expected to disrupt MYO15A protein function with a negative predictive value of 95%. In summary, the available evidence is currently insufficient to determine the role of this variant in disease. Therefore, it has been classified as a Variant of Uncertain Significance.

Literature cited by the submitters: PubMed 35346193.